The following is an entry in ClinVar:

ClinVar aggregate classification (germline): Conflicting classifications of pathogenicity. Review status: criteria provided, conflicting classifications (1 of 4 stars). 4 submissions from 4 submitters: Likely pathogenic (1); Uncertain significance (3). Last evaluated 2025-09-26.

Conditions:
Inborn genetic diseases. Identifiers: MedGen C0950123, MeSH D030342.
Intellectual disability, autosomal recessive 53 (NEDHSCA). Also called: GLYCOSYLPHOSPHATIDYLINOSITOL BIOSYNTHESIS DEFECT 13; Mental retardation, autosomal recessive 53; NEURODEVELOPMENTAL DISORDER WITH OR WITHOUT HYPOTONIA, SEIZURES, AND CEREBELLAR ATROPHY. Identifiers: Orphanet 488635, MedGen C4310794, MONDO:0014832, OMIM 616917.

Allele frequency attached by ClinVar (database versions not stated): TOPMed below 0.00001; ExAC 0.00004.
gnomAD v4.1: 36 of 1,613,838 alleles (0.0022%); highest among the groups gnomAD compares: South Asian, 0.038%; no homozygotes.

Submissions (4):

Ambry Genetics
Classification: Uncertain significance for Inborn genetic diseases. Last evaluated: 2025-09-26. Review status: criteria provided, single submitter. Criteria: Ambry Variant Classification Scheme 2023. Collection method: clinical testing. Allele origin: germline.

GeneDx
Classification: Uncertain significance. Last evaluated: 2025-07-21. Review status: criteria provided, single submitter. Criteria: GeneDx Variant Classification Process June 2021. Collection method: clinical testing. Allele origin: germline. Affected: yes.
Comment: Reported previously as a likely benign variant in the compound heterozygous state with a pathogenic variant on the opposite allele (in trans), in a patient with severe acute ataxia, global developmental delay, mild intellectual disability and hypotonia; variant was inherited from an unaffected father (PMID: 34113002); In silico analysis suggests that this missense variant does not alter protein structure/function; This variant is associated with the following publications: (PMID: 34113002, 38456468)

Labcorp Genetics (formerly Invitae), Labcorp
Classification: Uncertain significance for Intellectual disability, autosomal recessive 53. Last evaluated: 2022-01-06. Review status: criteria provided, single submitter. Criteria: Invitae Variant Classification Sherloc (09022015). Collection method: clinical testing. Allele origin: germline.
Comment: This sequence change replaces methionine, which is neutral and non-polar, with leucine, which is neutral and non-polar, at codon 344 of the PIGG protein (p.Met344Leu). This variant is present in population databases (rs757141700, gnomAD 0.03%). This missense change has been observed in individual(s) with clinical features of PIGG-related conditions (PMID: 34113002). In at least one individual the data is consistent with being in trans (on the opposite chromosome) from a pathogenic variant. ClinVar contains an entry for this variant (Variation ID: 807655). Algorithms developed to predict the effect of missense changes on protein structure and function output the following: SIFT: "Tolerated"; PolyPhen-2: "Benign"; Align-GVGD: "Class C0". The leucine amino acid residue is found in multiple mammalian species, which suggests that this missense change does not adversely affect protein function. In summary, the available evidence is currently insufficient to determine the role of this variant in disease. Therefore, it has been classified as a Variant of Uncertain Significance.

Institute of Human Genetics Munich, TUM University Hospital
Classification: Likely pathogenic for Intellectual disability, autosomal recessive 53. Last evaluated: 2018-12-10. Review status: criteria provided, single submitter. Criteria: Classification criteria August 2017. Collection method: clinical testing. Allele origin: paternal. Inheritance: Autosomal recessive inheritance. Affected: yes. Observed: 1 compound heterozygote.

Literature cited by the submitters: PubMed 34113002 (cited by Labcorp Genetics (formerly Invitae), Labcorp).

NM_001127178.3(PIGG):c.1030A>C (p.Met344Leu)

Gene: PIGG (phosphatidylinositol glycan anchor biosynthesis class G (EMM blood group); plus strand). Cytogenetic location: 4p16.3.
Variant type: single nucleotide variant.
Coding change: c.1030A>C on transcript NM_001127178.3 (MANE Select); coding-DNA position 1030, A replaced by C.
Protein change: p.Met344Leu; replaces methionine 344 with leucine.
Molecular consequence: missense variant. On other transcripts: initiator codon variant (1), 5 prime UTR variant (3), non-coding transcript variant (10).
Genome position (GRCh38, 1-based): chr4:516,101, A>C. VCF-style: chr4-516101-A-C. GRCh37 (hg19) VCF-style: chr4-509890-A-C.
Other names: c.1030A>C (NM_001127178.2, NM_001127178.1); c.763A>C, p.Met255Leu (NM_001289051.2, NM_001289053.2, NM_001289057.2 and 2 more transcripts); c.631A>C, p.Met211Leu (NM_001289052.2); c.664A>C, p.Met222Leu (NM_001289055.2); c.1A>C, p.Met1Leu (NM_001345988.2); c.1030A>C, p.Met344Leu (NM_001345989.2, NM_017733.5); c.-596A>C (NM_001345990.2); c.-458A>C (NM_001345991.2); and 1 more; short protein forms M211L, M222L, M255L, M1L, M344L.
Identifiers: ClinVar variation 807655 (VCV000807655.12), dbSNP rs757141700, ClinGen allele CA2793180.
Genomic context (GRCh38, chr4:516,101, plus strand): 5'-TTACCGATTCCAAAAGACAGTGTAGGGAGCCTCCTATTCCCAGTTGTGGAAGGAAGACCA[A>C]TGAGAGAGCAGTTGAGATTTTTACATTTGAATACAGTGCAGCTTAGTAAACTGTTGCAAG-3'
Protein context (NP_001120650.1, residues 334-354): LLFPVVEGRP[Met344Leu]REQLRFLHLN